The following is an entry in ClinVar:

ClinVar aggregate classification (germline): Benign/Likely benign. Review status: criteria provided, multiple submitters, no conflicts (2 of 4 stars). 4 submissions from 4 submitters: Benign (1); Likely benign (2). 1 of the submissions does not count toward it. Last evaluated 2026-01-06.

Conditions:
KCNQ2-Related Disorders. Also called: KCNQ2-related disorder; KCNQ2-related condition. Identifiers: MedGen CN169299.
Early-infantile DEE. Also called: Early infantile epileptic encephalopathy with suppression bursts; Ohtahara syndrome; Early infantile epileptic encephalopathy. Identifiers: Orphanet 1934, MedGen C0393706, MONDO:0800491.

Allele frequency attached by ClinVar (database versions not stated): TOPMed 0.00005; gnomAD 0.00006 and 0.00007; ExAC 0.00008; gnomAD exomes 0.00009.

Submissions (4):

Labcorp Genetics (formerly Invitae), Labcorp
Classification: Benign for Early-infantile DEE. Last evaluated: 2026-01-06. Review status: criteria provided, single submitter. Criteria: Invitae Variant Classification Sherloc (09022015). Collection method: clinical testing. Allele origin: germline.

Blueprint Genetics
Classification: Likely benign. Last evaluated: 2022-06-16. Review status: criteria provided, single submitter. Criteria: ACMG Guidelines, 2015. Collection method: clinical testing. Allele origin: germline.

GeneDx
Classification: Likely benign. Last evaluated: 2018-06-04. Review status: criteria provided, single submitter. Criteria: GeneDx Variant Classification (06012015). Collection method: clinical testing. Allele origin: germline. Affected: yes.
Comment: This variant is considered likely benign or benign based on one or more of the following criteria: it is a conservative change, it occurs at a poorly conserved position in the protein, it is predicted to be benign by multiple in silico algorithms, and/or has population frequency not consistent with disease.

PreventionGenetics, part of Exact Sciences
Classification: Likely benign for KCNQ2-related condition. Last evaluated: 2024-03-27. Review status: no assertion criteria provided. Collection method: clinical testing. Allele origin: germline. Not counted in ClinVar's aggregate classification.
Comment: This variant is classified as likely benign based on ACMG/AMP sequence variant interpretation guidelines (Richards et al. 2015 PMID: 25741868, with internal and published modifications).

NM_172107.4(KCNQ2):c.297-10C>G

Gene: KCNQ2 (potassium voltage-gated channel subfamily Q member 2; minus strand). Cytogenetic location: 20q13.33.
Variant type: single nucleotide variant.
Coding change: c.297-10C>G on transcript NM_172107.4 (MANE Select); 10 bases into the intron before coding-DNA position 297, C replaced by G.
Molecular consequence: intron variant.
Genome position (GRCh38, 1-based): chr20:63,446,847, G>C on the plus strand (C>G on the coding strand, the complement: KCNQ2 is on the minus strand). VCF-style: chr20-63446847-G-C. GRCh37 (hg19) VCF-style: chr20-62078200-G-C.
Other names: c.297-10C>G (NM_172107.3, NM_004518.6, NM_172108.5 and 2 more transcripts).
Identifiers: ClinVar variation 676579 (VCV000676579.13), dbSNP rs763193303, ClinGen allele CA9958864.
Genomic context (GRCh38, chr20:63,446,847, plus strand): 5'-TTGATGGTGGAAAACACAGACAGCACGAGGCAGGAGAAAACCAGGAGGAACCTGGGGGCA[G>C]GGAACGCGCGCTCTCAGACAGGCCGCAGCAGGGCAGCAGCATGGCTGTGTCTCCAGAACT-3'